The following is an entry in ClinVar:

NM_015046.7(SETX):c.4828C>T (p.Leu1610Phe)

Gene: SETX (senataxin; minus strand). Cytogenetic location: 9q34.13.
Variant type: single nucleotide variant.
Coding change: c.4828C>T on transcript NM_015046.7 (MANE Select); coding-DNA position 4828, C replaced by T.
Protein change: p.Leu1610Phe; replaces leucine 1610 with phenylalanine.
Molecular consequence: missense variant.
Genome position (GRCh38, 1-based): chr9:132,326,770, G>A on the plus strand (C>T on the coding strand, the complement: SETX is on the minus strand). VCF-style: chr9-132326770-G-A. GRCh37 (hg19) VCF-style: chr9-135202157-G-A.
Other names: c.4828C>T, p.Leu1610Phe (NM_001351527.2, NM_001351528.2); short protein forms L1610F.
Identifiers: ClinVar variation 574888 (VCV000574888.17), dbSNP rs749891883, ClinGen allele CA5297133.
Genomic context (GRCh38, chr9:132,326,770, plus strand): 5'-CCTTTGACTTATTTTTTAGAGACGGTGAAAGTGCTGAAGAAGTTTCCAAAGATTTAGAAA[G>A]ACCAGCAATTCGTGAAGTACTCTTTGAGCTAAAAATCTTAGTGGTAGGTCTCAAAGGTTT-3'
Protein context (NP_055861.3, residues 1600-1620): SSKSTSRIAG[Leu1610Phe]SKSLETSSAL

ClinVar aggregate classification (germline): Conflicting classifications of pathogenicity. Review status: criteria provided, conflicting classifications (1 of 4 stars). 7 submissions from 7 submitters: Uncertain significance (6); Benign (1). Last evaluated 2025-04-08.

Conditions:
Inborn genetic diseases. Identifiers: MedGen C0950123, MeSH D030342.
Amyotrophic lateral sclerosis type 4 (ALS4). Also called: NEURONOPATHY, DISTAL HEREDITARY MOTOR, WITH PYRAMIDAL FEATURES; AMYOTROPHIC LATERAL SCLEROSIS 4, JUVENILE. Identifiers: Orphanet 357043, MedGen C1865409, MONDO:0011223, OMIM 602433.
Spinocerebellar ataxia, autosomal recessive, with axonal neuropathy 2 (SCAN2). Also called: Ataxia with Oculomotor Apraxia Type 2; ATAXIA-OCULOMOTOR APRAXIA 2; Ataxia with Oculomotor Apraxia; Ataxia-ocular apraxia-2. Identifiers: Orphanet 64753, MedGen C1853761, MONDO:0018996, OMIM 606002.

Allele frequency attached by ClinVar (database versions not stated): gnomAD 0.00004; ExAC 0.00005; gnomAD exomes 0.00005; TOPMed 0.00005.
gnomAD v4.1: 101 of 1,614,106 alleles (0.0063%); highest among the groups gnomAD compares: Non-Finnish European, 0.0085%; no homozygotes.

Submissions (7):

Labcorp Genetics (formerly Invitae), Labcorp
Classification: Benign for Amyotrophic lateral sclerosis type 4; Spinocerebellar ataxia, autosomal recessive, with axonal neuropathy 2. Last evaluated: 2025-04-08. Review status: criteria provided, single submitter. Criteria: Invitae Variant Classification Sherloc (09022015). Collection method: clinical testing. Allele origin: germline.

Women's Health and Genetics/Laboratory Corporation of America, LabCorp
Classification: Uncertain significance. Last evaluated: 2024-12-23. Review status: criteria provided, single submitter. Criteria: LabCorp Variant Classification Summary - May 2015. Collection method: clinical testing. Allele origin: germline.
Comment: Variant summary: SETX c.4828C>T (p.Leu1610Phe) results in a non-conservative amino acid change in the encoded protein sequence. Four of five in-silico tools predict a benign effect of the variant on protein function. The variant allele was found at a frequency of 4.8e-05 in 251418 control chromosomes, predominantly at a frequency of 0.00011 within the Non-Finnish European subpopulation in the gnomAD database. This frequency is not significantly higher than estimated for a pathogenic variant in SETX causing Spinocerebellar ataxia, autosomal recessive, with axonal neuropathy 2 (4.8e-05 vs 0.0012), allowing no conclusion about variant significance. To our knowledge, no occurrence of c.4828C>T in individuals affected with Spinocerebellar ataxia, autosomal recessive, with axonal neuropathy 2 and no experimental evidence demonstrating its impact on protein function have been reported. ClinVar contains an entry for this variant (Variation ID: 574888). Based on the evidence outlined above, the variant was classified as uncertain significance.

Blueprint Genetics
Classification: Uncertain significance. Last evaluated: 2024-07-08. Review status: criteria provided, single submitter. Criteria: ACMG Guidelines, 2015. Collection method: clinical testing. Allele origin: germline.

Ambry Genetics
Classification: Uncertain significance for Inborn genetic diseases. Last evaluated: 2024-05-02. Review status: criteria provided, single submitter. Criteria: Ambry Variant Classification Scheme 2023. Collection method: clinical testing. Allele origin: germline.

Athena Diagnostics
Classification: Uncertain significance. Last evaluated: 2022-06-27. Review status: criteria provided, single submitter. Criteria: Athena Diagnostics Criteria. Collection method: clinical testing. Allele origin: unknown.

Fulgent Genetics
Classification: Uncertain significance for Amyotrophic lateral sclerosis type 4; Spinocerebellar ataxia, autosomal recessive, with axonal neuropathy 2. Last evaluated: 2018-10-31. Review status: criteria provided, single submitter. Criteria: ACMG Guidelines, 2015. Collection method: clinical testing. Allele origin: unknown.

Breakthrough Genomics
Classification: Uncertain significance. Review status: criteria provided, single submitter. Criteria: ACMG Guidelines, 2015. Collection method: not provided. Allele origin: germline. Inheritance: Autosomal recessive inheritance. Affected: yes.